The following is an entry in ClinVar:

ClinVar aggregate classification (germline): Uncertain significance (0 of 4 stars; one submission).

Conditions:
Developmental delay, behavioral abnormalities, and neuropsychiatric disorders (DEDBANP). Identifiers: MedGen C5774224, MONDO:0859292, OMIM 620065.

gnomAD v4.1: 6 of 1,614,094 alleles (0.00037%); highest among the groups gnomAD compares: African/African-American, 0.0013%; no homozygotes.

Submission:

Hong-Tao Li Lab, Institute of Brain Science and Brain-inspired Research, Shandong First Medical University & Shandong Academy of Medical Sciences China
Classification: Uncertain significance for Developmental delay, behavioral abnormalities, and neuropsychiatric disorders. Review status: no assertion criteria provided. Collection method: research. Allele origin: germline. Inheritance: Autosomal dominant inheritance. Affected: yes. Observed: 1 variant allele, 1 heterozygote.
Comment: Observed in affected individuals from a Pakistani neurodevelopmental-disorder research cohort of 263 individuals. Classification assigned using the ACMG/AMP framework. Population-frequency evidence: gnomAD AF 7.959e-06.

NM_014921.5(ADGRL1):c.701G>A (p.Arg234Gln)

Genes: ADGRL1-AS1 (ADGRL1 antisense RNA 1; plus strand), ADGRL1 (adhesion G protein-coupled receptor L1; minus strand). Cytogenetic location: 19p13.12.
Variant type: single nucleotide variant.
Coding change: c.701G>A on transcript NM_014921.5 (MANE Select); coding-DNA position 701, G replaced by A.
Protein change: p.Arg234Gln; replaces arginine 234 with glutamine.
Molecular consequence: missense variant.
Genome position (GRCh38, 1-based): chr19:14,163,100, C>T on the plus strand (G>A on the coding strand, the complement: ADGRL1 is on the minus strand). VCF-style: chr19-14163100-C-T. GRCh37 (hg19) VCF-style: chr19-14273912-C-T.
Other names: c.716G>A, p.Arg239Gln (NM_001008701.3); short protein forms R234Q, R239Q.
Identifiers: ClinVar variation 4884846 (VCV004884846.1).